The following is an entry in ClinVar:

NM_001184880.2(PCDH19):c.1609G>A (p.Asp537Asn)

Gene: PCDH19 (protocadherin 19; minus strand). Cytogenetic location: Xq22.1.
Variant type: single nucleotide variant.
Coding change: c.1609G>A on transcript NM_001184880.2 (MANE Select); coding-DNA position 1609, G replaced by A.
Protein change: p.Asp537Asn; replaces aspartic acid 537 with asparagine.
Molecular consequence: missense variant.
Genome position (GRCh38, 1-based): chrX:100,406,989, C>T on the plus strand (G>A on the coding strand, the complement: PCDH19 is on the minus strand). VCF-style: chrX-100406989-C-T. GRCh37 (hg19) VCF-style: chrX-99661987-C-T.
Other names: c.1609G>A, p.Asp537Asn (NM_001105243.2, NM_020766.3); short protein forms D537N.
Identifiers: ClinVar variation 3636294 (VCV003636294.2).
Genomic context (GRCh38, chrX:100,406,989, plus strand): 5'-TGACGTCGAGGATGATGACCCGCACCGTAGCGTTGCTTTGCAGTGAGGGAAGGCCGCCGT[C>T]CTTGGCCAGCACCTTGAATTCGAACGCCTTGGTCTGCTCGTGGTTAAAGGATCGCAGCGC-3'
Protein context (NP_001171809.1, residues 527-547): KAFEFKVLAK[Asp537Asn]GGLPSLQSNA

ClinVar aggregate classification (germline): Uncertain significance (1 of 4 stars; one submission).

Conditions:
Developmental and epileptic encephalopathy, 9 (DEE9). Also called: Early infantile epileptic encephalopathy 9; EPILEPSY, FEMALE-RESTRICTED, WITH MENTAL RETARDATION; PCDH19-Related X-Linked Female-Limited Epilepsy with Mental Retardation; JUBERG-HELLMAN SYNDROME. Identifiers: Orphanet 101039, Orphanet 2076, MedGen C1848137, MONDO:0010246, OMIM 300088. Disease mechanism: loss of function.

Submission:

Labcorp Genetics (formerly Invitae), Labcorp
Classification: Uncertain significance for Developmental and epileptic encephalopathy, 9. Last evaluated: 2024-06-11. Review status: criteria provided, single submitter. Criteria: Invitae Variant Classification Sherloc (09022015). Collection method: clinical testing. Allele origin: germline.
Comment: This sequence change replaces aspartic acid, which is acidic and polar, with asparagine, which is neutral and polar, at codon 537 of the PCDH19 protein (p.Asp537Asn). This variant is not present in population databases (gnomAD no frequency). This variant has not been reported in the literature in individuals affected with PCDH19-related conditions. Advanced modeling of protein sequence and biophysical properties (such as structural, functional, and spatial information, amino acid conservation, physicochemical variation, residue mobility, and thermodynamic stability) performed at Invitae indicates that this missense variant is expected to disrupt PCDH19 protein function with a positive predictive value of 95%. In summary, the available evidence is currently insufficient to determine the role of this variant in disease. Therefore, it has been classified as a Variant of Uncertain Significance.